The following is an entry in ClinVar:

NM_006035.4(CDC42BPB):c.4649C>T (p.Thr1550Ile)

Gene: CDC42BPB (CDC42 binding protein kinase beta; minus strand). Cytogenetic location: 14q32.32.
Variant type: single nucleotide variant.
Coding change: c.4649C>T on transcript NM_006035.4 (MANE Select); coding-DNA position 4649, C replaced by T.
Protein change: p.Thr1550Ile; replaces threonine 1550 with isoleucine.
Molecular consequence: missense variant.
Genome position (GRCh38, 1-based): chr14:102,939,890, G>A on the plus strand (C>T on the coding strand, the complement: CDC42BPB is on the minus strand). VCF-style: chr14-102939890-G-A. GRCh37 (hg19) VCF-style: chr14-103406227-G-A.
Other names: c.4571C>T, p.Thr1524Ile (NM_001411054.1); short protein forms T1524I, T1550I.
Identifiers: ClinVar variation 4538723 (VCV004538723.2).
Genomic context (GRCh38, chr14:102,939,890, plus strand): 5'-CGCCTCTGCTGCAGTCTCTCTTCCTCTGGGACCTTGAAGACGAACCGCCTTTTGCTCCTG[G>A]TGCGCAGCATCTGCTTCTTGCTGTTGTCGGAGGTGTCCGGCACGTTGAGAACCGCTCCTG-3'
Protein context (NP_006026.3, residues 1540-1560): SDNSKKQMLR[Thr1550Ile]RSKRRFVFKV

ClinVar aggregate classification (germline): Uncertain significance (1 of 4 stars; one submission).

Submission:

GeneDx
Classification: Uncertain significance. Last evaluated: 2026-09-23. Review status: criteria provided, single submitter. Criteria: GeneDx Variant Classification Process June 2021. Collection method: clinical testing. Allele origin: germline.
Comment: Not observed at significant frequency in large population cohorts (gnomAD); In silico analysis suggests that this missense variant does not alter protein structure/function; Has not been previously published as pathogenic or benign to our knowledge